The following is an entry in ClinVar:

ClinVar aggregate classification (germline): Uncertain significance (1 of 4 stars; one submission).

Submission:

Labcorp Genetics (formerly Invitae), Labcorp
Classification: Uncertain significance. Last evaluated: 2024-11-22. Review status: criteria provided, single submitter. Criteria: Invitae Variant Classification Sherloc (09022015). Collection method: clinical testing. Allele origin: germline.
Comment: This sequence change falls in intron 28 of the HMCN1 gene. It does not directly change the encoded amino acid sequence of the HMCN1 protein. It affects a nucleotide within the consensus splice site. This variant is not present in population databases (gnomAD no frequency). This variant has not been reported in the literature in individuals affected with HMCN1-related conditions. Variants that disrupt the consensus splice site are a relatively common cause of aberrant splicing (PMID: 17576681, 9536098). Algorithms developed to predict the effect of sequence changes on RNA splicing suggest that this variant is not likely to affect RNA splicing. In summary, the available evidence is currently insufficient to determine the role of this variant in disease. Therefore, it has been classified as a Variant of Uncertain Significance.

Literature cited by the submitters: PubMed 17576681; PubMed 9536098.

NM_031935.3(HMCN1):c.4349-3A>C

Gene: HMCN1 (hemicentin 1; plus strand). Cytogenetic location: 1q31.1.
Variant type: single nucleotide variant.
Coding change: c.4349-3A>C on transcript NM_031935.3 (MANE Select); 3 bases into the intron before coding-DNA position 4349, A replaced by C.
Molecular consequence: intron variant.
Genome position (GRCh38, 1-based): chr1:186,003,715, A>C. VCF-style: chr1-186003715-A-C. GRCh37 (hg19) VCF-style: chr1-185972847-A-C.
Identifiers: ClinVar variation 3658231 (VCV003658231.2).